The following is an entry in ClinVar:

NM_000126.4(ETFA):c.178T>G (p.Cys60Gly)

Gene: ETFA (electron transfer flavoprotein subunit alpha; minus strand). Cytogenetic location: 15q24.2.
Variant type: single nucleotide variant.
Coding change: c.178T>G on transcript NM_000126.4 (MANE Select); coding-DNA position 178, T replaced by G.
Protein change: p.Cys60Gly; replaces cysteine 60 with glycine.
Molecular consequence: missense variant. On other transcripts: intron variant (1).
Genome position (GRCh38, 1-based): chr15:76,295,599, A>C on the plus strand (T>G on the coding strand, the complement: ETFA is on the minus strand). VCF-style: chr15-76295599-A-C. GRCh37 (hg19) VCF-style: chr15-76587940-A-C.
Other names: c.40-2899T>G (NM_001127716.2); short protein forms C60G.
Identifiers: ClinVar variation 1965115 (VCV001965115.5), dbSNP rs2543035228, ClinGen allele CA393517793.

ClinVar aggregate classification (germline): Uncertain significance (1 of 4 stars; one submission).

Conditions:
Multiple acyl-CoA dehydrogenase deficiency (MADD). Also called: Glutaric Acidemia type 2; ETHYLMALONIC-ADIPICACIDURIA; GA II; Glutaric aciduria, type 2; Glutaric acidemia type II; GA 2. Identifiers: Orphanet 26791, MedGen C0268596, MONDO:0009282, OMIM 231680.

Submission:

Labcorp Genetics (formerly Invitae), Labcorp
Classification: Uncertain significance for Multiple acyl-CoA dehydrogenase deficiency. Last evaluated: 2022-01-04. Review status: criteria provided, single submitter. Criteria: Invitae Variant Classification Sherloc (09022015). Collection method: clinical testing. Allele origin: germline.
Comment: In summary, the available evidence is currently insufficient to determine the role of this variant in disease. Therefore, it has been classified as a Variant of Uncertain Significance. Algorithms developed to predict the effect of missense changes on protein structure and function are either unavailable or do not agree on the potential impact of this missense change (SIFT: "Tolerated"; PolyPhen-2: "Possibly Damaging"; Align-GVGD: "Class C0"). This variant has not been reported in the literature in individuals affected with ETFA-related conditions. This variant is not present in population databases (gnomAD no frequency). This sequence change replaces cysteine, which is neutral and slightly polar, with glycine, which is neutral and non-polar, at codon 60 of the ETFA protein (p.Cys60Gly).